The following is an entry in ClinVar:

ClinVar aggregate classification (germline): Uncertain significance. Review status: criteria provided, multiple submitters, no conflicts (2 of 4 stars). 2 submissions from 2 submitters: Uncertain significance (2). Last evaluated 2023-08-16.

Submissions (2):

Blueprint Genetics
Classification: Uncertain significance. Last evaluated: 2023-08-16. Review status: criteria provided, single submitter. Criteria: ACMG Guidelines, 2015. Collection method: clinical testing. Allele origin: germline.

Labcorp Genetics (formerly Invitae), Labcorp
Classification: Uncertain significance. Last evaluated: 2019-09-07. Review status: criteria provided, single submitter. Criteria: Invitae Variant Classification Sherloc (09022015). Collection method: clinical testing. Allele origin: germline.
Comment: In summary, the available evidence is currently insufficient to determine the role of this variant in disease. Therefore, it has been classified as a Variant of Uncertain Significance. Algorithms developed to predict the effect of missense changes on protein structure and function are either unavailable or do not agree on the potential impact of this missense change (SIFT: "Tolerated"; PolyPhen-2: "Probably Damaging"; Align-GVGD: "Class C0"). This variant has not been reported in the literature in individuals with CEP78-related conditions. This variant is not present in population databases (ExAC no frequency). This sequence change replaces aspartic acid with asparagine at codon 290 of the CEP78 protein (p.Asp290Asn). The aspartic acid residue is moderately conserved and there is a small physicochemical difference between aspartic acid and asparagine.

NM_001330691.3(CEP78):c.868G>A (p.Asp290Asn)

Gene: CEP78 (centrosomal protein 78; plus strand). Cytogenetic location: 9q21.2.
Variant type: single nucleotide variant.
Coding change: c.868G>A on transcript NM_001330691.3 (MANE Select); coding-DNA position 868, G replaced by A.
Protein change: p.Asp290Asn; replaces aspartic acid 290 with asparagine.
Molecular consequence: missense variant.
Genome position (GRCh38, 1-based): chr9:78,246,758, G>A. VCF-style: chr9-78246758-G-A. GRCh37 (hg19) VCF-style: chr9-80861674-G-A.
Other names: c.868G>A, p.Asp290Asn (NM_001098802.3, NM_001330693.3, NM_001330694.2 and 4 more transcripts); short protein forms D290N.
Identifiers: ClinVar variation 936539 (VCV000936539.10), dbSNP rs1826508035, ClinGen allele CA373856022.